The following is an entry in ClinVar:

NM_001367561.1(DOCK7):c.4237C>T (p.Arg1413Ter)

Gene: DOCK7 (dedicator of cytokinesis 7; minus strand). Cytogenetic location: 1p31.3.
Variant type: single nucleotide variant.
Coding change: c.4237C>T on transcript NM_001367561.1 (MANE Select); coding-DNA position 4237, C replaced by T.
Protein change: p.Arg1413Ter; replaces arginine 1413 with a stop codon.
Molecular consequence: nonsense.
Genome position (GRCh38, 1-based): chr1:62,513,489, G>A on the plus strand (C>T on the coding strand, the complement: DOCK7 is on the minus strand). VCF-style: chr1-62513489-G-A. GRCh37 (hg19) VCF-style: chr1-62979160-G-A.
Other names: c.4237C>T, p.Arg1413Ter (NM_001271999.2, NM_001330614.2); c.4144C>T, p.Arg1382Ter (NM_001272000.2, NM_001272001.2, NM_033407.4); short protein forms R1413*, R1382*.
Identifiers: ClinVar variation 855852 (VCV000855852.8), dbSNP rs1223056056, ClinGen allele CA340624001.

ClinVar aggregate classification (germline): Pathogenic (1 of 4 stars; one submission).

Conditions:
Developmental and epileptic encephalopathy, 23 (DEE23). Also called: Epileptic encephalopathy, early infantile, 23. Identifiers: Orphanet 411986, MedGen C4014492, MONDO:0014371, OMIM 615859.

Allele frequency attached by ClinVar (database versions not stated): gnomAD exomes below 0.00001; TOPMed below 0.00001; gnomAD 0.00001.
gnomAD v4.1: 3 of 1,613,714 alleles (0.00019%); highest among the groups gnomAD compares: African/African-American, 0.0013%; no homozygotes.

Submission:

Labcorp Genetics (formerly Invitae), Labcorp
Classification: Pathogenic for Developmental and epileptic encephalopathy, 23. Last evaluated: 2024-01-05. Review status: criteria provided, single submitter. Criteria: Invitae Variant Classification Sherloc (09022015). Collection method: clinical testing. Allele origin: germline.
Comment: This sequence change creates a premature translational stop signal (p.Arg1413*) in the DOCK7 gene. It is expected to result in an absent or disrupted protein product. Loss-of-function variants in DOCK7 are known to be pathogenic (PMID: 24814191). This variant is not present in population databases (gnomAD no frequency). This variant has not been reported in the literature in individuals affected with DOCK7-related conditions. ClinVar contains an entry for this variant (Variation ID: 855852). For these reasons, this variant has been classified as Pathogenic.

Literature cited by the submitters: PubMed 24814191.